The following is an entry in ClinVar:

ClinVar aggregate classification (germline): Uncertain significance (1 of 4 stars; one submission).

Submission:

GeneDx
Classification: Uncertain significance. Last evaluated: 2024-08-15. Review status: criteria provided, single submitter. Criteria: GeneDx Variant Classification Process June 2021. Collection method: clinical testing. Allele origin: germline. Affected: yes.
Comment: Not observed at significant frequency in large population cohorts (gnomAD); In silico analysis supports that this missense variant has a deleterious effect on protein structure/function; Has not been previously published as pathogenic or benign to our knowledge

NM_007052.5(NOX1):c.316T>G (p.Tyr106Asp)

Gene: NOX1 (NADPH oxidase 1; minus strand). Cytogenetic location: Xq22.1.
Variant type: single nucleotide variant.
Coding change: c.316T>G on transcript NM_007052.5 (MANE Select); coding-DNA position 316, T replaced by G.
Protein change: p.Tyr106Asp; replaces tyrosine 106 with aspartic acid.
Molecular consequence: missense variant.
Genome position (GRCh38, 1-based): chrX:100,863,180, A>C on the plus strand (T>G on the coding strand, the complement: NOX1 is on the minus strand). VCF-style: chrX-100863180-A-C. GRCh37 (hg19) VCF-style: chrX-100118169-A-C.
Other names: c.205T>G, p.Tyr69Asp (NM_001271815.2); c.316T>G, p.Tyr106Asp (NM_013955.3); short protein forms Y69D, Y106D.
Identifiers: ClinVar variation 3731256 (VCV003731256.1).